The following is an entry in ClinVar:

ClinVar aggregate classification (germline): Likely pathogenic. Review status: reviewed by expert panel (3 of 4 stars). 16 submissions from 16 submitters: Likely pathogenic (1). 15 of the submissions do not count toward it. Last evaluated 2025-07-01.

Conditions:
Cardiovascular phenotype. Identifiers: MedGen CN230736.
Cardiac arrhythmia. Also called: Arrhythmia; Cardiac rhythm disease. Identifiers: MedGen C0003811, MONDO:0007263, HP:0011675.
KCNQ1-related disorder. Also called: KCNQ1-related condition; KCNQ1-related disorders. Identifiers: MedGen CN239322.
Familial long QT syndrome (RWS). Also called: Congenital long QT syndrome; Romano-Ward syndrome; VENTRICULAR FIBRILLATION WITH PROLONGED QT INTERVAL. Identifiers: Orphanet 768, MedGen C1141890, MONDO:0019171.
Atrial fibrillation, familial, 3 (ATFB3). Identifiers: MedGen C1837014, MONDO:0011857, OMIM 607554.
Long QT syndrome 1 (LQT1). Identifiers: Orphanet 101016, Orphanet 768, MedGen C4551647, MONDO:0100316, OMIM 192500, MONDO:0008646.
Beckwith-Wiedemann syndrome (BWS). Also called: Exomphalos macroglossia gigantism syndrome; EMG SYNDROME. Identifiers: Orphanet 116, MedGen C0004903, MONDO:0007534, OMIM 130650.
Jervell and Lange-Nielsen syndrome 1 (JLNS1). Also called: CARDIOAUDITORY SYNDROME OF JERVELL AND LANGE-NIELSEN; DEAFNESS, CONGENITAL, AND FUNCTIONAL HEART DISEASE; PROLONGED QT INTERVAL IN EKG AND SUDDEN DEATH; SURDO-CARDIAC SYNDROME. Identifiers: Orphanet 768, Orphanet 90647, MedGen C4551509, MONDO:0024540, OMIM 220400.
Short QT syndrome type 2. Identifiers: Orphanet 51083, MedGen C1865019, MONDO:0012313, OMIM 609621.
Long QT syndrome (LQTS). Identifiers: MedGen C0023976, MeSH D008133, MONDO:0002442. Disease mechanism: loss of function. Inheritance: Various modes of inheritance.

Allele frequency attached by ClinVar (database versions not stated): ExAC 0.00002; gnomAD exomes 0.00001 and below 0.00001.
gnomAD v4.1: 5 of 1,611,480 alleles (0.00031%); highest among the groups gnomAD compares: South Asian, 0.0011%; no homozygotes.

Submissions 1 to 7 of 16:

ClinGen Potassium Channel Arrhythmia Variant Curation Expert Panel, ClinGen
Classification: Likely pathogenic for Long QT syndrome 1. Last evaluated: 2025-07-01. Review status: reviewed by expert panel. Criteria: ClinGen KChannel ACMG Specifications KCNQ1 V1.0.0 2. Collection method: curation. Allele origin: germline. Inheritance: Autosomal dominant inheritance.
Comment: NM_000218.3(KCNQ1):c.674C>T is a missense variant predicted to cause a substitution of serine with leucine at amino acid 225 (p.Ser225Leu). This variant is present in gnomAD v.4.1.0 at a maximum allele frequency of 0.00001098, with 1 allele / 91,080 total alleles in the South Asian population, which is higher than the ClinGen Potassium Channel Arrhythmia VCEP PM2_Supporting threshold of <0.00001, but lower than the BS1 threshold of >0.0004, so neither criterion is met. This variant has been reported in at least 11 unrelated individuals with LQTS (PS4; PMID: 22885918, 19841300, 17470695, 15840476, 10973849, 15466642, 9927399). Functional studies have been performed on this variant and meet criteria for PS3 with 1 RNA observation and 4 electrophysiology study observations all demonstrating a damaging effect on the protein function (PS3; PMID: 29021305, 22456477, 21451124, 19590188, 11087258). Multiple lines of computational evidence (REVEL score 0.873) suggest this variant is likely to be disruptive (PP3). In summary, this variant meets the criteria to be classified as likely pathogenic for long QT syndrome 1 based on the ACMG/AMP criteria applied, as specified by the ClinGen Potassium Channel Arrhythmia VCEP: PS3, PS4, and PP3. (VCEP specifications version 1.0.0; date of approval 03/04/2025).

Institute of Immunology and Genetics Kaiserslautern
Classification: Likely pathogenic for Long QT syndrome 1. Last evaluated: 2025-12-22. Review status: criteria provided, single submitter. Criteria: ACMG Guidelines, 2015. Collection method: clinical testing. Allele origin: germline. Affected: yes. Not counted in ClinVar's aggregate classification.
Comment: ACMG Criteria: PS3, PS4, PP3; Variant was found in heterozygous state.

Labcorp Genetics (formerly Invitae), Labcorp
Classification: Pathogenic for Long QT syndrome. Last evaluated: 2025-12-22. Review status: criteria provided, single submitter. Criteria: Invitae Variant Classification Sherloc (09022015). Collection method: clinical testing. Allele origin: germline. Not counted in ClinVar's aggregate classification.
Comment: This sequence change replaces serine, which is neutral and polar, with leucine, which is neutral and non-polar, at codon 225 of the KCNQ1 protein (p.Ser225Leu). This variant is present in population databases (rs199473456, gnomAD 0.003%). This missense change has been observed in individuals with long QT syndrome (PMID: 9927399, 10973849, 15840476, 17470695, 19716085, 22727609, 22949429, 23130128, 24606995). ClinVar contains an entry for this variant (Variation ID: 53083). Invitae Evidence Modeling of protein sequence and biophysical properties (such as structural, functional, and spatial information, amino acid conservation, physicochemical variation, residue mobility, and thermodynamic stability) indicates that this missense variant is expected to disrupt KCNQ1 protein function with a positive predictive value of 95%. Experimental studies have shown that this missense change affects KCNQ1 function (PMID: 11087258, 19590188, 21451124, 22456477). For these reasons, this variant has been classified as Pathogenic.

Institute of Human Genetics, University of Leipzig Medical Center
Classification: Likely pathogenic for Long QT syndrome 1. Last evaluated: 2025-08-18. Review status: criteria provided, single submitter. Criteria: ACMG Guidelines, 2015. Collection method: clinical testing. Allele origin: paternal. Inheritance: Autosomal dominant inheritance. Affected: yes. Not counted in ClinVar's aggregate classification.
Comment: Criteria applied: PS3,PS4,PP3

Ambry Genetics
Classification: Likely pathogenic for Cardiovascular phenotype. Last evaluated: 2025-06-17. Review status: criteria provided, single submitter. Criteria: Ambry Variant Classification Scheme 2023. Collection method: clinical testing. Allele origin: germline. Not counted in ClinVar's aggregate classification.
Comment: The p.S225L variant (also known as c.674C>T), located in coding exon 4 of the KCNQ1 gene, results from a C to T substitution at nucleotide position 674. The serine at codon 225 is replaced by leucine, an amino acid with dissimilar properties. This alteration has been reported in multiple individuals with long QT syndrome (LQTS) (Priori SG et al. Circulation. 1999;99(4):529-33; Tester DJ et al. Heart Rhythm. 2005;2(5):507-17; Moss AJ et al. Circulation. 2007;115(19):2481-9; Itoh H et al. Heart Rhythm. 2010;7(10):1411-8; Andrsova I et al. J Electrocardiol. 2012;45(6):746-51; Christiansen M et al. BMC Med. Genet. 2014;15:31). This alteration has also been shown to have an impact on protein function (Bianchi L et al. Am. J. Physiol. Heart Circ. Physiol. 2000;279(6):H3003-11; Henrion U et al. Cell. Physiol. Biochem. 2009;24(1-2):11-6; Jons C et al. Sci Transl Med. 2011;3:76ra28; Liin SI et al. Elife. 2016;5:e20272). This amino acid position is highly conserved in available vertebrate species. In addition, this alteration is predicted to be deleterious by in silico analysis. Based on the majority of available evidence to date, this variant is likely to be pathogenic.

Color Diagnostics, LLC DBA Color Health
Classification: Likely pathogenic for Cardiac arrhythmia. Last evaluated: 2024-10-07. Review status: criteria provided, single submitter. Criteria: ACMG Guidelines, 2015. Collection method: clinical testing. Allele origin: germline. Not counted in ClinVar's aggregate classification.
Comment: This missense variant replaces serine with leucine at codon 225 of the KCNQ1 protein. This variant is located within the extracellular linker region (a.a. 218-225) between transmembrane domains S3 and S4 of the KCNQ1 protein. Rare non-truncating variants in this region have been shown to be significantly overrepresented in individuals with long QT syndrome (PMID: 32893267). Computational prediction suggests that this variant may have deleterious impact on protein structure and function. Functional studies have shown this variant to exhibit a dominant-negative effect on the potassium channel function (PMID: 11087258, 19590188, 21451124, 22456477). This variant has been reported in many individuals affected with long QT syndrome or referred for long QT syndrome genetic testing (PMID: 9927399, 10973849, 14678125, 15466642, 15840476, 17470695, 19716085, 19841300, 21451124, 22456477, 22727609, 22949429, 23130128, 24606995, 29925740). This variant has been identified in 3/248308 chromosomes in the general population by the Genome Aggregation Database (gnomAD). Based on the available evidence, this variant is classified as Likely Pathogenic.

All of Us Research Program, National Institutes of Health
Classification: Likely pathogenic for Long QT syndrome. Last evaluated: 2024-08-31. Review status: criteria provided, single submitter. Criteria: ACMG Guidelines, 2015. Collection method: clinical testing. Allele origin: germline. Inheritance: Autosomal dominant inheritance. Observed: 1 variant allele, 1 heterozygote. Not counted in ClinVar's aggregate classification.
Comment: This missense variant replaces serine with leucine at codon 225 of the KCNQ1 protein. Computational prediction suggests that this variant may have deleterious impact on protein structure and function (internally defined REVEL score threshold >= 0.7, PMID: 27666373). Splice site prediction tools suggest that this variant may not impact RNA splicing. Functional studies have shown this variant has a dominant-negative effect on potassium channel current and changes the activation and deactivation rates of the channel (PMID: 11087258, 19590188, 21451124, 22456477). This variant has been reported in many individuals affected with long QT syndrome or referred for long QT syndrome genetic testing (PMID: 9927399, 10973849, 14678125, 15466642, 15840476, 17470695, 19716085, 19841300, 21451124, 22456477, 22727609, 22949429, 23130128, 24606995, 29925740). This variant has been identified in 3/248308 chromosomes in the general population by the Genome Aggregation Database (gnomAD). Based on the available evidence, this variant is classified as Likely Pathogenic.

This study involves interpretation of variants in research participants for the purpose of population health screening. Participant phenotype was not available at the time of variant classification. Additional details can be found in publication PMID: 35346344, PMCID: PMC8962531

NM_000218.3(KCNQ1):c.674C>T (p.Ser225Leu)

Gene: KCNQ1 (potassium voltage-gated channel subfamily Q member 1; plus strand). Cytogenetic location: 11p15.5.
Variant type: single nucleotide variant.
Coding change: c.674C>T on transcript NM_000218.3 (MANE Select); coding-DNA position 674, C replaced by T.
Protein change: p.Ser225Leu; replaces serine 225 with leucine.
Molecular consequence: missense variant.
Genome position (GRCh38, 1-based): chr11:2,571,394, C>T. VCF-style: chr11-2571394-C-T. GRCh37 (hg19) VCF-style: chr11-2592624-C-T.
Other names: NM_000218.3(KCNQ1):c.674C>T; c.674C>T (LRG_287t1); c.674C>T, p.Ser225Leu (NM_001406836.1); c.404C>T, p.Ser135Leu (NM_001406837.1); c.293C>T, p.Ser98Leu (NM_181798.2); short protein forms S225L, S98L, S135L.
Identifiers: ClinVar variation 53083 (VCV000053083.36), dbSNP rs199473456, ClinGen allele CA007870.